The following is an entry in ClinVar:

NM_015450.3(POT1):c.1048G>A (p.Ala350Thr)

Gene: POT1 (protection of telomeres 1; minus strand). Cytogenetic location: 7q31.33.
Variant type: single nucleotide variant.
Coding change: c.1048G>A on transcript NM_015450.3 (MANE Select); coding-DNA position 1048, G replaced by A.
Protein change: p.Ala350Thr; replaces alanine 350 with threonine.
Molecular consequence: missense variant. On other transcripts: non-coding transcript variant (3).
Genome position (GRCh38, 1-based): chr7:124,842,922, C>T on the plus strand (G>A on the coding strand, the complement: POT1 is on the minus strand). VCF-style: chr7-124842922-C-T. GRCh37 (hg19) VCF-style: chr7-124482976-C-T.
Other names: c.655G>A, p.Ala219Thr (NM_001042594.2); short protein forms A350T, A219T.
Identifiers: ClinVar variation 4673472 (VCV004673472.1).
Genomic context (GRCh38, chr7:124,842,922, plus strand): 5'-TATATGACCTCAATTTTGCTCGGATGCGGTATTGTTGAGGAGCTTTTTGTTTCAAAATGG[C>T]ACATAGTGGTGTCCTCTCCAAATACTGATGATCTGTAAGTACTGTAAAGAATTTTTATAT-3'
Protein context (NP_056265.2, residues 340-360): HQYLERTPLC[Ala350Thr]ILKQKAPQQY

ClinVar aggregate classification (germline): Uncertain significance (1 of 4 stars; one submission).

Conditions:
Hereditary cancer-predisposing syndrome. Also called: Neoplastic Syndromes, Hereditary; Tumor predisposition; Hereditary Cancer Syndrome; Hereditary neoplastic syndrome. Identifiers: Orphanet 140162, MedGen C0027672, MeSH D009386, MONDO:0015356.

gnomAD v4.1: 1 of 1,605,736 alleles (0.000062%); highest among the groups gnomAD compares: South Asian, 0.0011%; no homozygotes.

Submission:

Ambry Genetics
Classification: Uncertain significance for Hereditary cancer-predisposing syndrome. Last evaluated: 2025-09-27. Review status: criteria provided, single submitter. Criteria: Ambry Variant Classification Scheme 2023. Collection method: clinical testing. Allele origin: germline.
Comment: The p.A350T variant (also known as c.1048G>A), located in coding exon 9 of the POT1 gene, results from a G to A substitution at nucleotide position 1048. The alanine at codon 350 is replaced by threonine, an amino acid with similar properties. This amino acid position is conserved. In addition, this alteration is predicted to be tolerated by in silico analysis. Based on the available evidence, the clinical significance of this variant remains unclear.